The following is an entry in ClinVar:

ClinVar aggregate classification (germline): Pathogenic (1 of 4 stars; one submission).

Conditions:
Joubert syndrome. Also called: JOUBERT-BOLTSHAUSER SYNDROME; Familial aplasia of the vermis. Identifiers: Orphanet 475, MedGen C5979921, MONDO:0018772.
Meckel-Gruber syndrome. Also called: DYSENCEPHALIA SPLANCHNOCYSTICA; GRUBER SYNDROME; Dysencephalia splachnocystica. Identifiers: Orphanet 564, MedGen C0265215, MONDO:0018921.

gnomAD v4.1: 2 of 1,608,272 alleles (0.00012%); highest among the groups gnomAD compares: South Asian, 0.0011%; no homozygotes.

Submission:

Labcorp Genetics (formerly Invitae), Labcorp
Classification: Pathogenic for Joubert syndrome; Meckel-Gruber syndrome. Last evaluated: 2024-11-17. Review status: criteria provided, single submitter. Criteria: Invitae Variant Classification Sherloc (09022015). Collection method: clinical testing. Allele origin: germline.
Comment: This sequence change creates a premature translational stop signal (p.Glu763*) in the CC2D2A gene. It is expected to result in an absent or disrupted protein product. Loss-of-function variants in CC2D2A are known to be pathogenic (PMID: 19777577). This variant is not present in population databases (gnomAD no frequency). This variant has not been reported in the literature in individuals affected with CC2D2A-related conditions. For these reasons, this variant has been classified as Pathogenic.

Literature cited by the submitters: PubMed 19777577.

NM_001378615.1(CC2D2A):c.2287G>T (p.Glu763Ter)

Genes: CC2D2A (coiled-coil and C2 domain containing 2A; plus strand), FBXL5 (F-box and leucine rich repeat protein 5; minus strand). Cytogenetic location: 4p15.32.
Variant type: single nucleotide variant.
Coding change: c.2287G>T on transcript NM_001378615.1 (MANE Select); coding-DNA position 2287, G replaced by T.
Protein change: p.Glu763Ter; replaces glutamic acid 763 with a stop codon.
Molecular consequence: nonsense.
Genome position (GRCh38, 1-based): chr4:15,550,929, G>T. VCF-style: chr4-15550929-G-T. GRCh37 (hg19) VCF-style: chr4-15552552-G-T.
Other names: c.2287G>T, p.Glu763Ter (NM_001080522.2); c.2140G>T, p.Glu714Ter (NM_001378617.1); short protein forms E714*, E763*.
Identifiers: ClinVar variation 3752379 (VCV003752379.2).